The following is an entry in ClinVar:

ClinVar aggregate classification (germline): Likely benign. Review status: criteria provided, multiple submitters, no conflicts (2 of 4 stars). 2 submissions from 2 submitters: Likely benign (2). Last evaluated 2026-06-23.

Conditions:
Hypogonadotropic hypogonadism. Also called: Hypogonadotropic hypogonadism with or without anosmia; Hypogonadotrophic hypogonadism; Isolated hypogonadotropic hypogonadism; Low gonadotropins (secondary hypogonadism). Identifiers: Orphanet 432, MedGen C0271623, MONDO:0018555, HP:0000044.

Allele frequency attached by ClinVar (database versions not stated): 1000 Genomes Project 30x 0.00344; 1000 Genomes Project 0.00379; ExAC 0.00389; gnomAD exomes 0.00411 and 0.00674; gnomAD 0.00412 and 0.00451; TOPMed 0.00466; ESP Exome Variant Server 0.00508.
gnomAD v4.1: 10,479 of 1,613,526 alleles (0.65%); highest among the groups gnomAD compares: Non-Finnish European, 0.77%; 43 homozygotes.

Submissions (2):

Cambridge Genomics Laboratory, East Genomic Laboratory Hub, NHS Genomic Medicine Service
Classification: Likely benign for Hypogonadotropic hypogonadism. Last evaluated: 2026-06-23. Review status: criteria provided, single submitter. Criteria: ACGS Best Practice Guidelines for Variant Classification in Rare Disease 2020. Collection method: clinical testing. Allele origin: germline. Affected: yes.
Comment: BS1_Strong,BP4

CeGaT Center for Human Genetics Tuebingen
Classification: Likely benign. Last evaluated: 2025-07-01. Review status: criteria provided, single submitter. Criteria: CeGaT Center For Human Genetics Tuebingen Variant Classification Criteria Version 2. Collection method: clinical testing. Allele origin: germline. Affected: yes. Observed: 1 variant allele.
Comment: LEPR: BS2

NM_002303.6(LEPR):c.-20-15A>T

Gene: LEPR (leptin receptor; plus strand). Cytogenetic location: 1p31.3.
Variant type: single nucleotide variant.
Coding change: c.-20-15A>T on transcript NM_002303.6 (MANE Select); 15 bases into the intron before 20 bases upstream of the start codon, A replaced by T.
Molecular consequence: intron variant.
Genome position (GRCh38, 1-based): chr1:65,565,531, A>T. VCF-style: chr1-65565531-A-T. GRCh37 (hg19) VCF-style: chr1-66031214-A-T.
Other names: c.-20-15A>T (NM_001003679.3, NM_001003680.3, NM_001198689.2 and 2 more transcripts).
Identifiers: ClinVar variation 297985 (VCV000297985.14), dbSNP rs116571599, ClinGen allele CA894427.